The following is an entry in ClinVar:

ClinVar aggregate classification (germline): Uncertain significance. Review status: criteria provided, multiple submitters, no conflicts (2 of 4 stars). 3 submissions from 3 submitters: Uncertain significance (3). Last evaluated 2025-09-19.

Conditions:
Oculootoradial syndrome (IVIC). Also called: RADIAL RAY DEFECTS, HEARING IMPAIRMENT, EXTERNAL OPHTHALMOPLEGIA, AND THROMBOCYTOPENIA; IVIC syndrome. Identifiers: Orphanet 2307, MedGen C1327918, MONDO:0007836, OMIM 147750.
Duane-radial ray syndrome (DRRS). Also called: Duane-Radial Ray Syndrome/Okihiro Syndrome; Duane-Radial Ray Syndrome (DRRS) / Okihiro Syndrome; ACRORENOOCULAR SYNDROME; DR SYNDROME; DUANE ANOMALY WITH RADIAL RAY ABNORMALITIES AND DEAFNESS; Okihiro Syndrome. Identifiers: Orphanet 93293, Orphanet 959, MedGen C1623209, MONDO:0011812, OMIM 607323. Disease mechanism: gain of function.
Inborn genetic diseases. Identifiers: MedGen C0950123, MeSH D030342.

Allele frequency attached by ClinVar (database versions not stated): gnomAD exomes below 0.00001; gnomAD 0.00001; TOPMed 0.00001.

Submissions (3):

Labcorp Genetics (formerly Invitae), Labcorp
Classification: Uncertain significance for Duane-radial ray syndrome. Last evaluated: 2025-09-19. Review status: criteria provided, single submitter. Criteria: Invitae Variant Classification Sherloc (09022015). Collection method: clinical testing. Allele origin: germline.
Comment: This sequence change replaces glutamic acid, which is acidic and polar, with lysine, which is basic and polar, at codon 567 of the SALL4 protein (p.Glu567Lys). This variant is present in population databases (no rsID available, gnomAD 0.0009%). This variant has not been reported in the literature in individuals affected with SALL4-related conditions. ClinVar contains an entry for this variant (Variation ID: 2283008). An algorithm developed to predict the effect of missense changes on protein structure and function (PolyPhen-2) suggests that this variant is likely to be disruptive. In summary, the available evidence is currently insufficient to determine the role of this variant in disease. Therefore, it has been classified as a Variant of Uncertain Significance.

Ambry Genetics
Classification: Uncertain significance for Inborn genetic diseases. Last evaluated: 2025-08-11. Review status: criteria provided, single submitter. Criteria: Ambry Variant Classification Scheme 2023. Collection method: clinical testing. Allele origin: germline.

Fulgent Genetics
Classification: Uncertain significance for Oculootoradial syndrome; Duane-radial ray syndrome. Last evaluated: 2024-05-27. Review status: criteria provided, single submitter. Criteria: ACMG Guidelines, 2015. Collection method: clinical testing. Allele origin: germline.

NM_020436.5(SALL4):c.1699G>A (p.Glu567Lys)

Gene: SALL4 (spalt like transcription factor 4; minus strand). Cytogenetic location: 20q13.2.
Variant type: single nucleotide variant.
Coding change: c.1699G>A on transcript NM_020436.5 (MANE Select); coding-DNA position 1699, G replaced by A.
Protein change: p.Glu567Lys; replaces glutamic acid 567 with lysine.
Molecular consequence: missense variant. On other transcripts: intron variant (1).
Genome position (GRCh38, 1-based): chr20:51,790,784, C>T on the plus strand (G>A on the coding strand, the complement: SALL4 is on the minus strand). VCF-style: chr20-51790784-C-T. GRCh37 (hg19) VCF-style: chr20-50407323-C-T.
Other names: c.1150+549G>A (NM_001318031.2); short protein forms E567K.
Identifiers: ClinVar variation 2283008 (VCV002283008.5), dbSNP rs995922870, ClinGen allele CA315373438.
Genomic context (GRCh38, chr20:51,790,784, plus strand): 5'-TGCGATAATGCATCTTGAGGGAGCTCTGACAGCTTAAGACTCGGTGGCAAATGAGACATT[C>T]GTTGGGATCAGTGGTGGCCTTGTCAATGTTCTCCACCAACTGCTGCAATTTCAGGGTCTC-3'
Protein context (NP_065169.1, residues 557-577): NIDKATTDPN[Glu567Lys]CLICHRVLSC